The following is an entry in ClinVar:

NM_018975.4(TERF2IP):c.197A>C (p.Gln66Pro)

Gene: TERF2IP (TERF2 interacting protein; plus strand). Cytogenetic location: 16q23.1.
Variant type: single nucleotide variant.
Coding change: c.197A>C on transcript NM_018975.4 (MANE Select); coding-DNA position 197, A replaced by C.
Protein change: p.Gln66Pro; replaces glutamine 66 with proline.
Molecular consequence: missense variant. On other transcripts: non-coding transcript variant (1).
Genome position (GRCh38, 1-based): chr16:75,648,079, A>C. VCF-style: chr16-75648079-A-C. GRCh37 (hg19) VCF-style: chr16-75681977-A-C.
Other names: short protein forms Q66P.
Identifiers: ClinVar variation 1783767 (VCV001783767.2), dbSNP rs2507072944, ClinGen allele CA396817417.

ClinVar aggregate classification (germline): Uncertain significance (1 of 4 stars; one submission).

gnomAD v4.1: 2 of 1,574,090 alleles (0.00013%); highest among the groups gnomAD compares: Non-Finnish European, 0.00017%; no homozygotes.

Submission:

Ambry Genetics
Classification: Uncertain significance. Last evaluated: 2021-12-11. Review status: criteria provided, single submitter. Criteria: Ambry Variant Classification Scheme 2023. Collection method: clinical testing. Allele origin: germline.
Comment: The p.Q66P variant (also known as c.197A>C), located in coding exon 1 of the TERF2IP gene, results from an A to C substitution at nucleotide position 197. The glutamine at codon 66 is replaced by proline, an amino acid with similar properties. This amino acid position is conserved. In addition, the in silico prediction for this alteration is inconclusive. Since supporting evidence is limited at this time, the clinical significance of this alteration remains unclear.